The following is an entry in ClinVar:

NM_000548.5(TSC2):c.2013C>A (p.Gly671=)

Gene: TSC2 (TSC complex subunit 2; plus strand). Cytogenetic location: 16p13.3.
Variant type: single nucleotide variant.
Coding change: c.2013C>A on transcript NM_000548.5 (MANE Select); coding-DNA position 2013, C replaced by A.
Protein change: p.Gly671=; no amino-acid change (glycine 671 retained).
Molecular consequence: synonymous variant.
Genome position (GRCh38, 1-based): chr16:2,071,850, C>A. VCF-style: chr16-2071850-C-A. GRCh37 (hg19) VCF-style: chr16-2121851-C-A.
Other names: c.2013C>A, p.Gly671= (NM_001077183.3, NM_001114382.3, NM_001363528.2 and 3 more transcripts); c.1902C>A, p.Gly634= (NM_001318827.2); c.1866C>A, p.Gly622= (NM_001318829.2); c.1413C>A, p.Gly471= (NM_001318831.2); c.2046C>A, p.Gly682= (NM_001318832.2).
Identifiers: ClinVar variation 536047 (VCV000536047.18), dbSNP rs566848799, ClinGen allele CA035621.
Genomic context (GRCh38, chr16:2,071,850, plus strand): 5'-AGAGAGAGGCTCTGAGAAGAAGACCAGCGGCCCCCTTTCTCCTCCCACAGGGCCTCCTGG[C>A]CCGGCGCCTGCAGGCCCCGCCGTGCGGCTGGGGTCCGTGCCCTACTCCCTGCTCTTCCGC-3'
Protein context (NP_000539.2, residues 661-681): GPLSPPTGPP[Gly671=]PAPAGPAVRL

ClinVar aggregate classification (germline): Benign/Likely benign. Review status: criteria provided, multiple submitters, no conflicts (2 of 4 stars). 5 submissions from 5 submitters: Benign (1); Likely benign (4). Last evaluated 2026-01-06.

Conditions:
Hereditary cancer-predisposing syndrome. Also called: Neoplastic Syndromes, Hereditary; Tumor predisposition; Hereditary Cancer Syndrome; Hereditary neoplastic syndrome. Identifiers: Orphanet 140162, MedGen C0027672, MeSH D009386, MONDO:0015356.
Tuberous sclerosis syndrome (TSC). Also called: Tuberous Sclerosis Complex; Tuberous sclerosis. Identifiers: Orphanet 805, MedGen C0041341, MONDO:0001734.
Tuberous sclerosis 2 (TSC2). Identifiers: Orphanet 805, MedGen C1860707, MONDO:0013199, OMIM 613254.

Allele frequency attached by ClinVar (database versions not stated): TOPMed 0.00001; gnomAD exomes 0.00002; gnomAD 0.00003; ExAC 0.00007; 1000 Genomes Project 30x 0.00031; 1000 Genomes Project 0.00040.
gnomAD v4.1: 20 of 1,576,772 alleles (0.0013%); highest among the groups gnomAD compares: South Asian, 0.023%; no homozygotes.

Submissions (5):

Labcorp Genetics (formerly Invitae), Labcorp
Classification: Likely benign for Tuberous sclerosis 2. Last evaluated: 2026-01-06. Review status: criteria provided, single submitter. Criteria: Invitae Variant Classification Sherloc (09022015). Collection method: clinical testing. Allele origin: germline.

Myriad Genetics, Inc.
Classification: Benign for Tuberous sclerosis 2. Last evaluated: 2025-05-16. Review status: criteria provided, single submitter. Criteria: Myriad Autosomal Dominant, Autosomal Recessive and X-Linked Classification Criteria (2023). Collection method: clinical testing. Allele origin: unknown.
Comment: This variant is considered benign. This variant is a silent/synonymous amino acid change and it is not expected to impact splicing.

Ambry Genetics
Classification: Likely benign for Hereditary cancer-predisposing syndrome. Last evaluated: 2024-09-27. Review status: criteria provided, single submitter. Criteria: Ambry Variant Classification Scheme 2023. Collection method: clinical testing. Allele origin: germline.

All of Us Research Program, National Institutes of Health
Classification: Likely benign for Tuberous sclerosis syndrome. Last evaluated: 2023-08-15. Review status: criteria provided, single submitter. Criteria: ACMG Guidelines, 2015. Collection method: clinical testing. Allele origin: germline. Inheritance: Autosomal dominant inheritance. Observed: 2 variant alleles, 2 heterozygotes.
Comment: This study involves interpretation of variants in research participants for the purpose of population health screening. Participant phenotype was not available at the time of variant classification. Additional details can be found in publication PMID: 35346344, PMCID: PMC8962531

Color Diagnostics, LLC DBA Color Health
Classification: Likely benign for Tuberous sclerosis syndrome. Last evaluated: 2022-09-23. Review status: criteria provided, single submitter. Criteria: ACMG Guidelines, 2015. Collection method: clinical testing. Allele origin: germline.